The following is an entry in ClinVar:

ClinVar aggregate classification (germline): Uncertain significance (1 of 4 stars; one submission).

Conditions:
Cardiovascular phenotype. Identifiers: MedGen CN230736.

Submission:

Ambry Genetics
Classification: Uncertain significance for Cardiovascular phenotype. Last evaluated: 2022-12-01. Review status: criteria provided, single submitter. Criteria: Ambry Variant Classification Scheme 2023. Collection method: clinical testing. Allele origin: germline.
Comment: The p.L1257V variant (also known as c.3769C>G), located in coding exon 6 of the ALPK3 gene, results from a C to G substitution at nucleotide position 3769. The leucine at codon 1257 is replaced by valine, an amino acid with highly similar properties. This amino acid position is conserved. In addition, this alteration is predicted to be tolerated by in silico analysis. Since supporting evidence is limited at this time, the clinical significance of this alteration remains unclear.

NM_020778.5(ALPK3):c.3163C>G (p.Leu1055Val)

Gene: ALPK3 (alpha kinase 3; plus strand). Cytogenetic location: 15q25.3.
Variant type: single nucleotide variant.
Coding change: c.3163C>G on transcript NM_020778.5 (MANE Select); coding-DNA position 3163, C replaced by G.
Protein change: p.Leu1055Val; replaces leucine 1055 with valine.
Molecular consequence: missense variant.
Genome position (GRCh38, 1-based): chr15:84,857,901, C>G. VCF-style: chr15-84857901-C-G. GRCh37 (hg19) VCF-style: chr15-85401132-C-G.
Other names: short protein forms L1055V.
Identifiers: ClinVar variation 2449091 (VCV002449091.2), dbSNP rs2505721417, ClinGen allele CA393359724.